The following is an entry in ClinVar:

ClinVar aggregate classification (germline): Uncertain significance (1 of 4 stars; one submission).

Allele frequency attached by ClinVar (database versions not stated): gnomAD exomes 0.00001 and 0.00003; ExAC 0.00004; gnomAD 0.00007 and 0.00008; TOPMed 0.00007.
gnomAD v4.1: 24 of 1,521,716 alleles (0.0016%); highest among the groups gnomAD compares: African/African-American, 0.022%; no homozygotes.

Submission:

Labcorp Genetics (formerly Invitae), Labcorp
Classification: Uncertain significance. Last evaluated: 2025-03-31. Review status: criteria provided, single submitter. Criteria: Invitae Variant Classification Sherloc (09022015). Collection method: clinical testing. Allele origin: germline.
Comment: This sequence change replaces arginine, which is basic and polar, with glutamine, which is neutral and polar, at codon 281 of the DGAT1 protein (p.Arg281Gln). This variant is present in population databases (rs781969331, gnomAD 0.02%). This variant has not been reported in the literature in individuals affected with DGAT1-related conditions. ClinVar contains an entry for this variant (Variation ID: 1371204). Invitae Evidence Modeling of protein sequence and biophysical properties (such as structural, functional, and spatial information, amino acid conservation, physicochemical variation, residue mobility, and thermodynamic stability) indicates that this missense variant is expected to disrupt DGAT1 protein function with a positive predictive value of 80%. In summary, the available evidence is currently insufficient to determine the role of this variant in disease. Therefore, it has been classified as a Variant of Uncertain Significance.

NM_012079.6(DGAT1):c.842G>A (p.Arg281Gln)

Gene: DGAT1 (diacylglycerol O-acyltransferase 1; minus strand). Cytogenetic location: 8q24.3.
Variant type: single nucleotide variant.
Coding change: c.842G>A on transcript NM_012079.6 (MANE Select); coding-DNA position 842, G replaced by A.
Protein change: p.Arg281Gln; replaces arginine 281 with glutamine.
Molecular consequence: missense variant.
Genome position (GRCh38, 1-based): chr8:144,317,927, C>T on the plus strand (G>A on the coding strand, the complement: DGAT1 is on the minus strand). VCF-style: chr8-144317927-C-T. GRCh37 (hg19) VCF-style: chr8-145541590-C-T.
Other names: short protein forms R281Q.
Identifiers: ClinVar variation 1371204 (VCV001371204.6), dbSNP rs781969331, ClinGen allele CA4936821.